The following is an entry in ClinVar:

ClinVar aggregate classification (germline): Uncertain significance (1 of 4 stars; one submission).

Conditions:
Cardiomyopathy (CMYO). Also called: Cardiomyopathies. Identifiers: Orphanet 167848, MedGen C0878544, MONDO:0004994, HP:0001638. Inheritance: Various modes of inheritance.

Submission:

Color Diagnostics, LLC DBA Color Health
Classification: Uncertain significance for Cardiomyopathy. Last evaluated: 2024-03-06. Review status: criteria provided, single submitter. Criteria: ACMG Guidelines, 2015. Collection method: clinical testing. Allele origin: germline.
Comment: This missense variant replaces methionine with isoleucine at codon 2793 of the DSP protein. Computational prediction suggests that this variant may not impact protein structure and function (internally defined REVEL score threshold <= 0.5, PMID: 27666373). To our knowledge, functional studies have not been reported for this variant. This variant has not been reported in individuals affected with cardiovascular disorders in the literature. This variant has not been identified in the general population by the Genome Aggregation Database (gnomAD). The available evidence is insufficient to determine the role of this variant in disease conclusively. Therefore, this variant is classified as a Variant of Uncertain Significance.

NM_004415.4(DSP):c.8379G>A (p.Met2793Ile)

Gene: DSP (desmoplakin; plus strand). Cytogenetic location: 6p24.3.
Variant type: single nucleotide variant.
Coding change: c.8379G>A on transcript NM_004415.4 (MANE Select); coding-DNA position 8379, G replaced by A.
Protein change: p.Met2793Ile; replaces methionine 2793 with isoleucine.
Molecular consequence: missense variant.
Genome position (GRCh38, 1-based): chr6:7,585,641, G>A. VCF-style: chr6-7585641-G-A. GRCh37 (hg19) VCF-style: chr6-7585874-G-A.
Other names: c.6582G>A, p.Met2194Ile (NM_001008844.3); c.7050G>A, p.Met2350Ile (NM_001319034.2); short protein forms M2350I, M2793I, M2194I.
Identifiers: ClinVar variation 2775383 (VCV002775383.2), dbSNP rs2533951443, ClinGen allele CA362695033.